The following is an entry in ClinVar:

NM_001126108.2(SLC12A3):c.514T>C (p.Trp172Arg)

Gene: SLC12A3 (solute carrier family 12 member 3; plus strand). Cytogenetic location: 16q13.
Variant type: single nucleotide variant.
Coding change: c.514T>C on transcript NM_001126108.2 (MANE Select); coding-DNA position 514, T replaced by C.
Protein change: p.Trp172Arg; replaces tryptophan 172 with arginine.
Molecular consequence: missense variant.
Genome position (GRCh38, 1-based): chr16:56,869,737, T>C. VCF-style: chr16-56869737-T-C. GRCh37 (hg19) VCF-style: chr16-56903649-T-C.
Other names: c.514T>C, p.Trp172Arg (NM_000339.3); c.511T>C, p.Trp171Arg (NM_001126107.2); short protein forms W171R, W172R.
Identifiers: ClinVar variation 1285185 (VCV001285185.13), dbSNP rs757792232, ClinGen allele CA8069086.

ClinVar aggregate classification (germline): Pathogenic/Likely pathogenic. Review status: criteria provided, multiple submitters, no conflicts (2 of 4 stars). 8 submissions from 8 submitters: Pathogenic (4); Likely pathogenic (2). 2 of the submissions do not count toward it. Last evaluated 2026-01-05.

Conditions:
Familial hypokalemia-hypomagnesemia (GTLMNS). Also called: HYPOMAGNESEMIA-HYPOKALEMIA, PRIMARY RENOTUBULAR, WITH HYPOCALCIURIA; POTASSIUM AND MAGNESIUM DEPLETION; gitelman syndrome. Identifiers: Orphanet 358, MedGen C0268450, MONDO:0009904, OMIM 263800.
Renal tubulopathies.
SLC12A3-related disorder. Also called: SLC12A3-related condition.

Allele frequency attached by ClinVar (database versions not stated): ExAC 0.00001; gnomAD exomes 0.00001.
gnomAD v4.1: 18 of 1,614,150 alleles (0.0011%); highest among the groups gnomAD compares: Middle Eastern, 0.016%; no homozygotes.

Submissions (8):

Genetics Laboratory, Great Ormond Street Hospital NHS Foundation Trust, North Thames Genomic Laboratory Hub
Classification: Likely pathogenic for Renal tubulopathies. Last evaluated: 2026-01-05. Review status: criteria provided, single submitter. Criteria: ACGS Best Practice Guidelines for Variant Classification in Rare Disease 2024 v1.2. Collection method: clinical testing. Allele origin: germline. Affected: yes.
Comment: PM2_moderate, PP3_supporting, PM3_moderate, PP4_supporting

Natera, Inc.
Classification: Pathogenic for Gitelman syndrome. Last evaluated: 2025-01-31. Review status: criteria provided, single submitter. Criteria: Natera Variant Classification Schema (03/2026). Collection method: clinical testing. Allele origin: germline.
Comment: The c.514T>C variant in SLC12A3 is a missense variant predicted to cause substitution of tryptophan to arginine at amino acid 172. This variant is rare in the general population with a frequency below the threshold expected for the associated phenotype(s). This variant has been observed in one or more individuals affected with the associated recessive disease, as either homozygous or compound heterozygous with a second variant (PMID: 12112667, 17329572, 17654016). Computational prediction algorithms indicate this variant is likely to affect gene or protein function. Given the available evidence, this variant is classified as Pathogenic.

GeneDx
Classification: Pathogenic. Last evaluated: 2023-03-15. Review status: criteria provided, single submitter. Criteria: GeneDx Variant Classification Process June 2021. Collection method: clinical testing. Allele origin: germline. Affected: yes.
Comment: In silico analysis supports that this missense variant has a deleterious effect on protein structure/function; Not observed at significant frequency in large population cohorts (gnomAD); This variant is associated with the following publications: (PMID: 25841442, 14596636, Portioli2021[review], 22009145, 34426522, 31672324, 12112667)

European Hospital Georges Pompidou Genetics Department, Assistance Publique - Hôpitaux de Paris AP-HP
Classification: Likely pathogenic for Familial hypokalemia-hypomagnesemia. Last evaluated: 2022-04-27. Review status: criteria provided, single submitter. Criteria: ACMG Guidelines, 2015. Collection method: clinical testing. Allele origin: germline. Affected: yes.
Comment: ACMG criteria used:PS4, PM1, PM2, PM3, PP5

Labcorp Genetics (formerly Invitae), Labcorp
Classification: Pathogenic. Last evaluated: 2021-12-03. Review status: criteria provided, single submitter. Criteria: Invitae Variant Classification Sherloc (09022015). Collection method: clinical testing. Allele origin: germline.
Comment: This sequence change replaces tryptophan, which is neutral and slightly polar, with arginine, which is basic and polar, at codon 172 of the SLC12A3 protein (p.Trp172Arg). This variant is present in population databases (rs757792232, gnomAD 0.0009%). This missense change has been observed in individuals with Gitelman syndrome (PMID: 12112667). ClinVar contains an entry for this variant (Variation ID: 1285185). Advanced modeling of protein sequence and biophysical properties (such as structural, functional, and spatial information, amino acid conservation, physicochemical variation, residue mobility, and thermodynamic stability) performed at Invitae indicates that this missense variant is expected to disrupt SLC12A3 protein function. For these reasons, this variant has been classified as Pathogenic.

Blueprint Genetics
Classification: Pathogenic for SLC12A3-related disorders. Last evaluated: 2020-11-18. Review status: criteria provided, single submitter. Criteria: ACMG Guidelines, 2015. Collection method: clinical testing. Allele origin: germline. Affected: yes. Observed: 2 variant alleles.

Genome Diagnostics Laboratory, University Medical Center Utrecht
Classification: Pathogenic. Review status: no assertion criteria provided. Collection method: clinical testing. Allele origin: germline. Affected: yes. Study: VKGL Data-share Consensus. Not counted in ClinVar's aggregate classification.

Joint Genome Diagnostic Labs from Nijmegen and Maastricht, Radboudumc and MUMC+
Classification: Pathogenic. Review status: no assertion criteria provided. Collection method: clinical testing. Allele origin: germline. Affected: yes. Study: VKGL Data-share Consensus. Not counted in ClinVar's aggregate classification.

Literature cited by the submitters: PubMed 12112667 (cited by Natera, Inc. and Labcorp Genetics (formerly Invitae), Labcorp); PubMed 17329572 (cited by Natera, Inc.); PubMed 17654016 (cited by Natera, Inc.).